The following is an entry in ClinVar:

ClinVar aggregate classification (germline): Pathogenic/Likely pathogenic. Review status: criteria provided, multiple submitters, no conflicts (2 of 4 stars). 12 submissions from 11 submitters: Pathogenic (5); Likely pathogenic (6). 1 of the submissions does not count toward it. Last evaluated 2026-09-02.

Conditions:
Inborn genetic diseases. Identifiers: MedGen C0950123, MeSH D030342.
Intellectual disability. Also called: Intellectual developmental disorder; Intellectual functioning disability; intellectual disabilities. Identifiers: MedGen C3714756, MeSH D008607, MONDO:0001071, HP:0001249.
Dystonia, early-onset, and/or spastic paraplegia. Identifiers: MedGen C5562051, MONDO:0859215, OMIM 619681.
THOC6-related developmental delay-microcephaly-facial dysmorphism syndrome. Also called: Beaulieu-Boycott-Innes syndrome; THOC6 Intellectual Disability Syndrome; Microcephaly, mental retardation, and distinctive facies, with cardiac and genitourinary malformations. Identifiers: Orphanet 363444, MedGen C3150939, MONDO:0013362, OMIM 613680.
Fetal anomalies with a likely genetic cause.

Allele frequency attached by ClinVar (database versions not stated): TOPMed 0.00016; gnomAD exomes 0.00017 and 0.00039; 1000 Genomes Project 0.00020; gnomAD 0.00020; ExAC 0.00023; ESP Exome Variant Server 0.00031; 1000 Genomes Project 30x 0.00016.
gnomAD v4.1: 586 of 1,608,356 alleles (0.036%); highest among the groups gnomAD compares: Non-Finnish European, 0.046%; no homozygotes.

Submissions (12):

Genetics Laboratory, Great Ormond Street Hospital NHS Foundation Trust, North Thames Genomic Laboratory Hub
Classification: Likely pathogenic for Fetal anomalies with a likely genetic cause. Last evaluated: 2026-09-02. Review status: criteria provided, single submitter. Criteria: ACGS Best Practice Guidelines for Variant Classification in Rare Disease 2024 v1.2. Collection method: clinical testing. Allele origin: germline. Affected: yes.
Comment: PM2_moderate, PS3_supporting, PM3_strong

Rady Children's Institute for Genomic Medicine, Rady Children's Hospital San Diego
Classification: Likely pathogenic for BEAULIEU-BOYCOTT-INNES SYNDROME. Last evaluated: 2023-10-03. Review status: criteria provided, single submitter. Criteria: ACMG Guidelines, 2015. Collection method: clinical testing. Allele origin: germline. Affected: yes.
Comment: The c.298T>A (p.Trp100Arg) variant affects a highly conserved amino acid and is predicted by multiple in silico tools to have a deleterious effect on protein function. This variant has been previously reported as a rare haplotype (c.298T>A; c.700G>C; c.824G>A) in individuals with Beaulieu-Boycott-Innes syndrome (PMID: 30476144, 27295358, 31216405, 31421288, 33144682, 35426486). Functional studies indicate that the rare haplotype affects nuclear localization of the THOC6 protein and has reduced interaction with protein partners. Additionally, the c.298T>A (p.Trp100Arg) variant alone affects nuclear localization and may contribute to the pathogenicity of the haplotype (PMID: 30476144). The c.298T>A (p.Trp100Arg) variant is present in the heterozygous state in the gnomAD population database at a frequency of 0.02% (48/280030) and thus is presumed to be rare. Based on the available evidence, c.298T>A (p.Trp100Arg) is classified as Likely Pathogenic.

Victorian Clinical Genetics Services, Murdoch Childrens Research Institute
Classification: Likely pathogenic for THOC6-related developmental delay-microcephaly-facial dysmorphism syndrome. Last evaluated: 2023-07-17. Review status: criteria provided, single submitter. Criteria: ACMG Guidelines, 2015. Collection method: clinical testing. Allele origin: germline. Inheritance: Autosomal recessive inheritance. Affected: yes.
Comment: Based on the classification scheme VCGS_Germline_v1.3.4, this variant is classified as Likely pathogenic. Following criteria are met: 0102 - Loss of function is a known mechanism of disease in this gene and is associated with Beaulieu-Boycott-Innes syndrome (MIM#613680). (I) 0106 - This gene is associated with autosomal recessive disease. (I) 0200 - Variant is predicted to result in a missense amino acid change from tryptophan to arginine. (I) 0251 - This variant is heterozygous. (I) 0304 - Variant is present in gnomAD (v2) <0.01 for a recessive condition (48 heterozygotes, 0 homozygotes). (SP) 0309 - An alternative amino acid change at the same position has been observed in gnomAD (v2) (1 heterozygote, 0 homozygotes). (I) 0501 - Missense variant consistently predicted to be damaging by multiple in silico tools or highly conserved with a major amino acid change. (SP) 0600 - Variant is located in the annotated WD2 repeat (PMID: 30476144). (I) 0705 - No comparable missense variants have previous evidence for pathogenicity. (I) 0801 - This variant has strong previous evidence of pathogenicity in unrelated individuals. This variant has been previously reported as likely pathogenic, a VUS and pathogenic (ClinVar, LOVD, Decipher). It has also been reported as part of a haplotype in multiple homozygous or compound heterozygous individuals with intellectual disability (PMID: 30476144, 31421288, 27295358, 35426486, 36900003). (SP) 1002 - This variant has moderate functional evidence supporting abnormal protein function. Functional studies show that this variant causes abnormal protein localization (PMID: 30476144). (SP) 1208 - Inheritance information for this variant is not currently available in this individual. (I)

Institute of Human Genetics Munich, TUM University Hospital
Classification: Pathogenic for THOC6-related developmental delay-microcephaly-facial dysmorphism syndrome. Last evaluated: 2022-10-21. Review status: criteria provided, single submitter. Criteria: Classification criteria August 2017. Collection method: clinical testing. Allele origin: inherited. Inheritance: Autosomal recessive inheritance. Affected: yes. Observed: 1 variant allele.

CeGaT Center for Human Genetics Tuebingen
Classification: Pathogenic. Last evaluated: 2021-11-01. Review status: criteria provided, single submitter. Criteria: CeGaT Center For Human Genetics Tuebingen Variant Classification Criteria Version 2. Collection method: clinical testing. Allele origin: germline. Affected: yes. Observed: 2 variant alleles.

Ambry Genetics
Classification: Pathogenic for Inborn genetic diseases. Last evaluated: 2021-02-22. Review status: criteria provided, single submitter. Criteria: Ambry Variant Classification Scheme 2023. Collection method: clinical testing. Allele origin: germline.
Comment: The c.[298T>A;700G>C;824G>A] (p.[W100R;V234L;G275D]) complex allele affects coding exons 4, 11, and 12 respectively of the THOC6 gene. These alterations make up a known haplotype that results from a T to A substitution at nucleotide position 298, causing the tryptophan (W) at amino acid position 100 to be replaced by an arginine (R), a G to C substitution at nucleotide position 700, causing the valine (V) at amino acid position 234 to be replaced by a leucine (L), and a G to A substitution at nucleotide position 824, causing the glycine (G) at amino acid position 275 to be replaced by an aspartic acid (D). Based on data from the Genome Aggregation Database (gnomAD), the THOC6 c.[298T>A;700G>C;824G>A] haplotype was observed in 0.02% of total alleles studied, with a frequency of 0.03% in the European (non-Finnish) subpopulation. The c.[298T>A;700G>C;824G>A] (p.[W100R;V234L;G275D]) haplotype was previously reported homozygous or compound heterozygous with another alteration in THOC1 in multiple patients with Beaulieu&ndash;Boycott&ndash;Innes syndrome (Casey, 2016; Mattioli, 2019; Gupta, 2020). The patients were reported to have intellectual disability, varying dysmorphic features, and other congenital anomalies including cardiac, genitourinary, renal, and skeletal malformations. The p.W100, p.V234, and p.G275 amino acids are conserved in available vertebrate species. The p.W100R amino acid is located in a separate domain than the domains with the p.V234L and p.G275D amino acids and together may affect the functionality of the larger WD40 domain. Functional expression assays demonstrated that the triple mutant protein showed an abnormal cytosolic localization as compared to wild type which localizes to the nucleus. The mutant protein alters THOC6 physiological nuclear localization and disrupts its interaction with two other subunits of THO, THOC1 and THOC5. The assays show that the pathogenicity of the haplotype results from a combined effect of at least two of the three missense changes (Mattioli, 2019). The in silico prediction for the p.W100R and p.G275D alterations are inconclusive. The p.V234L alteration is predicted to be tolerated by in silico analysis. Based on the available evidence, this alteration is classified as pathogenic.

GeneDx
Classification: Likely pathogenic. Last evaluated: 2020-11-09. Review status: criteria provided, single submitter. Criteria: GeneDx Variant Classification Process June 2021. Collection method: clinical testing. Allele origin: germline. Affected: yes.
Comment: Functional studies of the p.[W100R; G275D; V234L] haplotype suggest a damaging effect with abnormal nuclear localization and decreased interaction with protein partners from the THO complex, and the W100R variant on its own was also suggested to affect nuclear localization of THOC6 (Mattioli et al., 2019); In silico analysis supports that this missense variant has a deleterious effect on protein structure/function; This variant is associated with the following publications: (PMID: 33144682, 31216405, 31421288, 30476144, 27295358, 26739162, 20503307, 23621916, 27102954, 15998806, 19059247, 11060033)

Cambridge Genomics Laboratory, East Genomic Laboratory Hub, NHS Genomic Medicine Service
Classification: Likely pathogenic for Intellectual disability. Last evaluated: 2020-09-22. Review status: criteria provided, single submitter. Criteria: ACGS Best Practice Guidelines for Variant Classification in Rare Disease 2020. Collection method: clinical testing. Allele origin: germline. Affected: yes. Observed: 1 variant allele.

Medgenome Labs Ltd
Classification: Pathogenic for Beaulieu-Boycott-Innes syndrome. Last evaluated: 2019-02-02. Review status: criteria provided, single submitter. Criteria: ACMG Guidelines, 2015. Collection method: research. Allele origin: germline. Inheritance: Autosomal recessive inheritance. Affected: yes. Observed: 4 variant alleles, 2 heterozygotes, 2 homozygotes. Clinical features observed: Global developmental delay (HP:0001263), Abnormal facial shape (HP:0001999), Synophrys (HP:0000664), Deeply set eye (HP:0000490), Short palpebral fissure (HP:0012745), Epicanthus (HP:0000286), Plagiocephaly (HP:0001357), Cryptorchidism (HP:0000028), Congenital elevation of scapula (HP:0000912), Failure to thrive (HP:0001508).
Comment: The haplotype c.

Baylor Genetics
Classification: Likely pathogenic for THOC6-related developmental delay-microcephaly-facial dysmorphism syndrome. Last evaluated: 2018-10-12. Review status: criteria provided, single submitter. Criteria: ACMG Guidelines, 2015. Collection method: clinical testing. Allele origin: germline. Affected: yes.

Neuberg Centre For Genomic Medicine, NCGM
Classification: Pathogenic for THOC6-related developmental delay-microcephaly-facial dysmorphism syndrome. Review status: criteria provided, single submitter. Criteria: ACMG Guidelines, 2015. Collection method: clinical testing. Allele origin: germline. Inheritance: Autosomal recessive inheritance. Affected: yes.
Comment: This variant is part of a three variant haplotype and experimental evidence shows that this variants affects the physiological nuclear localizationof the THOC6 protein (Mattioli F, et al., 2019; Gupta N, et al., 2020).

Cambridge Genomics Laboratory, East Genomic Laboratory Hub, NHS Genomic Medicine Service
Classification: Uncertain significance for Dystonia, early-onset, and/or spastic paraplegia. Last evaluated: 2019-05-16. Review status: flagged submission. Criteria: ACGS Best Practice Guidelines for Variant Classification in Rare Disease 2020. Collection method: clinical testing. Allele origin: germline. Affected: yes. Observed: 1 variant allele. Not counted in ClinVar's aggregate classification.
ClinVar note: Reason: Outlier claim with insufficient supporting evidence

Literature cited by the submitters: PubMed 30476144 (cited by 3 submitters); 27295358 (cited by Rady Children's Institute for Genomic Medicine, Rady Children's Hospital San Diego); 31216405 (cited by Rady Children's Institute for Genomic Medicine, Rady Children's Hospital San Diego); 31421288 (cited by Rady Children's Institute for Genomic Medicine, Rady Children's Hospital San Diego); 33144682 (cited by Rady Children's Institute for Genomic Medicine, Rady Children's Hospital San Diego); 35426486 (cited by Rady Children's Institute for Genomic Medicine, Rady Children's Hospital San Diego); PubMed 27295358 (cited by 4 submitters); PubMed 31421288 (cited by Victorian Clinical Genetics Services, Murdoch Childrens Research Institute); PubMed 35426486 (cited by Victorian Clinical Genetics Services, Murdoch Childrens Research Institute); PubMed 36900003 (cited by Victorian Clinical Genetics Services, Murdoch Childrens Research Institute).

NM_024339.5(THOC6):c.298T>A (p.Trp100Arg)

Gene: THOC6 (THO complex subunit 6; plus strand). Cytogenetic location: 16p13.3.
Variant type: single nucleotide variant.
Coding change: c.298T>A on transcript NM_024339.5 (MANE Select); coding-DNA position 298, T replaced by A.
Protein change: p.Trp100Arg; replaces tryptophan 100 with arginine.
Molecular consequence: missense variant.
Genome position (GRCh38, 1-based): chr16:3,026,140, T>A. VCF-style: chr16-3026140-T-A. GRCh37 (hg19) VCF-style: chr16-3076141-T-A.
Other names: c.298T>A, p.Trp100Arg (NM_001142350.3, NM_001347704.2); c.226T>A, p.Trp76Arg (NM_001347703.2); c.298T>A (NM_024339.4); short protein forms W100R, W76R.
Identifiers: ClinVar variation 521347 (VCV000521347.55), dbSNP rs138632121, ClinGen allele CA7854912.